The following is an entry in ClinVar:

ClinVar aggregate classification (germline): Pathogenic/Likely pathogenic. Review status: criteria provided, multiple submitters, no conflicts (2 of 4 stars). 2 submissions from 2 submitters: Pathogenic (1); Likely pathogenic (1). Last evaluated 2023-09-13.

Conditions:
Joubert syndrome 18 (JBTS18). Identifiers: Orphanet 2754, MedGen C3553758, MONDO:0013896, OMIM 614815.
Orofacial-digital syndrome IV (OFD4). Also called: Orofaciodigital syndrome IV; BARAITSER-BURN SYNDROME; OFD SYNDROME WITH TIBIAL DEFECTS; OFD SYNDROME, BARAITSER-BURN TYPE; OFDS IV; ORAL-FACIAL-DIGITAL SYNDROME, TYPE IV. Identifiers: Orphanet 2753, MedGen C0406727, MONDO:0009794, OMIM 258860.

Submissions (2):

Labcorp Genetics (formerly Invitae), Labcorp
Classification: Pathogenic for Joubert syndrome 18; Orofacial-digital syndrome IV. Last evaluated: 2023-09-13. Review status: criteria provided, single submitter. Criteria: Invitae Variant Classification Sherloc (09022015). Collection method: clinical testing. Allele origin: germline.
Comment: Disruption of the initiator codon has been observed in individual(s) with Joubert syndrome (PMID: 26092869; Invitae). In at least one individual the data is consistent with being in trans (on the opposite chromosome) from a pathogenic variant. This sequence change affects the initiator methionine of the TCTN3 mRNA. The next in-frame methionine is located at codon 152. This variant is not present in population databases (gnomAD no frequency). ClinVar contains an entry for this variant (Variation ID: 1804145). For these reasons, this variant has been classified as Pathogenic.

Institute of Human Genetics, University of Leipzig Medical Center
Classification: Likely pathogenic for Joubert syndrome 18. Last evaluated: 2022-12-02. Review status: criteria provided, single submitter. Criteria: ACMG Guidelines, 2015. Collection method: clinical testing. Allele origin: maternal. Inheritance: Autosomal recessive inheritance. Affected: yes.
Comment: Criteria applied: PVS1,PM2_SUP; Identified as compund heterozygous with NM_015631.6:c.566A>G

Literature cited by the submitters: PubMed 26092869 (cited by Labcorp Genetics (formerly Invitae), Labcorp).

NM_015631.6(TCTN3):c.1A>G (p.Met1Val)

Genes: TCTN3 (tectonic family member 3; minus strand), LOC130004408 (ATAC-STARR-seq lymphoblastoid active region 3801; plus strand). Cytogenetic location: 10q24.1.
Variant type: single nucleotide variant.
Coding change: c.1A>G on transcript NM_015631.6 (MANE Select); coding-DNA position 1, A replaced by G.
Protein change: p.Met1Val; changes the start codon (methionine 1).
Molecular consequence: missense variant, initiator codon variant.
Genome position (GRCh38, 1-based): chr10:95,693,899, T>C on the plus strand (A>G on the coding strand, the complement: TCTN3 is on the minus strand). VCF-style: chr10-95693899-T-C. GRCh37 (hg19) VCF-style: chr10-97453656-T-C.
Other names: c.55A>G, p.Met19Val (NM_001013840.1); c.1A>G, p.Met1Val (NM_001143973.2, NM_001410982.1); short protein forms M19V, M1V.
Identifiers: ClinVar variation 1804145 (VCV001804145.9), dbSNP rs1046385111, ClinGen allele CA377714661.